The following is an entry in ClinVar:

NM_007294.4(BRCA1):c.581C>G (p.Ala194Gly)

Gene: BRCA1 (BRCA1 DNA repair associated; minus strand). Cytogenetic location: 17q21.31.
Variant type: single nucleotide variant.
Coding change: c.581C>G on transcript NM_007294.4 (MANE Select); coding-DNA position 581, C replaced by G.
Protein change: p.Ala194Gly; replaces alanine 194 with glycine.
Molecular consequence: missense variant. On other transcripts: non-coding transcript variant (1).
Genome position (GRCh38, 1-based): chr17:43,097,256, G>C on the plus strand (C>G on the coding strand, the complement: BRCA1 is on the minus strand). VCF-style: chr17-43097256-G-C. GRCh37 (hg19) VCF-style: chr17-41249273-G-C.
Other names: c.368C>G, p.Ala123Gly (NM_001407571.1, NM_001407853.1, NM_001407894.1 and 12 more transcripts); c.581C>G, p.Ala194Gly (NM_001407581.1, NM_001407582.1, NM_001407583.1 and 59 more transcripts); c.578C>G, p.Ala193Gly (NM_001407587.1, NM_001407590.1, NM_001407591.1 and 41 more transcripts); c.572C>G, p.Ala191Gly (NM_001407646.1, NM_001407647.1, NM_001408408.1); c.503C>G, p.Ala168Gly (NM_001407653.1, NM_001407654.1, NM_001407655.1 and 9 more transcripts); c.500C>G, p.Ala167Gly (NM_001407659.1, NM_001407660.1, NM_001407661.1 and 3 more transcripts); c.440C>G, p.Ala147Gly (NM_001407692.1, NM_001407694.1, NM_001407695.1 and 43 more transcripts); c.437C>G, p.Ala146Gly (NM_001407740.1, NM_001407741.1, NM_001407742.1 and 26 more transcripts); and 4 more; short protein forms A124G, A167G, A147G, A149G, A168G, A194G, A66G, A67G.
Identifiers: ClinVar variation 2128550 (VCV002128550.5), dbSNP rs2054177836, ClinGen allele CA10600960.

ClinVar aggregate classification (germline): Uncertain significance. Review status: criteria provided, multiple submitters, no conflicts (2 of 4 stars). 2 submissions from 2 submitters: Uncertain significance (2). Last evaluated 2026-07-06.

Conditions:
Hereditary breast ovarian cancer syndrome. Also called: Hereditary breast and ovarian cancer; Hereditary breast and/or ovarian cancer syndrome; Breast and ovarian cancer; Hereditary breast and ovarian cancer syndrome; Hereditary breast and ovarian cancer syndrome (HBOC); BRCA1- and BRCA2-Associated Hereditary Breast and Ovarian Cancer. Identifiers: Orphanet 145, MedGen C0677776, MeSH D061325, MONDO:0003582. Disease mechanism: loss of function.
Hereditary cancer-predisposing syndrome. Also called: Tumor predisposition; Hereditary Cancer Syndrome; Hereditary neoplastic syndrome; Neoplastic Syndromes, Hereditary. Identifiers: Orphanet 140162, MedGen C0027672, MeSH D009386, MONDO:0015356.

Submissions (2):

Ambry Genetics
Classification: Uncertain significance for Hereditary cancer-predisposing syndrome. Last evaluated: 2026-07-06. Review status: criteria provided, single submitter. Criteria: Ambry Variant Classification Scheme 2023. Collection method: clinical testing. Allele origin: germline.
Comment: The p.A194G variant (also known as c.581C>G), located in coding exon 7 of the BRCA1 gene, results from a C to G substitution at nucleotide position 581. The alanine at codon 194 is replaced by glycine, an amino acid with similar properties. This amino acid position is conserved. In addition, this alteration is predicted to be deleterious by in silico analysis. Based on the available evidence, the clinical significance of this variant remains unclear.

Labcorp Genetics (formerly Invitae), Labcorp
Classification: Uncertain significance for Hereditary breast ovarian cancer syndrome. Last evaluated: 2022-10-18. Review status: criteria provided, single submitter. Criteria: Invitae Variant Classification Sherloc (09022015). Collection method: clinical testing. Allele origin: germline.
Comment: In summary, the available evidence is currently insufficient to determine the role of this variant in disease. Therefore, it has been classified as a Variant of Uncertain Significance. Advanced modeling of protein sequence and biophysical properties (such as structural, functional, and spatial information, amino acid conservation, physicochemical variation, residue mobility, and thermodynamic stability) performed at Invitae indicates that this missense variant is not expected to disrupt BRCA1 protein function. This variant has not been reported in the literature in individuals affected with BRCA1-related conditions. This variant is not present in population databases (gnomAD no frequency). This sequence change replaces alanine, which is neutral and non-polar, with glycine, which is neutral and non-polar, at codon 194 of the BRCA1 protein (p.Ala194Gly).